The following is an entry in ClinVar:

NM_002474.3(MYH11):c.5504+7G>T

Genes: MYH11 (myosin heavy chain 11; minus strand), NDE1 (nudE neurodevelopment protein 1; plus strand). Cytogenetic location: 16p13.11.
Variant type: single nucleotide variant.
Coding change: c.5504+7G>T on transcript NM_002474.3 (MANE Select); 7 bases into the intron after coding-DNA position 5504, G replaced by T.
Molecular consequence: intron variant.
Genome position (GRCh38, 1-based): chr16:15,717,133, C>A on the plus strand (G>T on the coding strand, the complement: MYH11 is on the minus strand). VCF-style: chr16-15717133-C-A. GRCh37 (hg19) VCF-style: chr16-15810990-C-A.
Other names: c.948-7058C>A (NM_001143979.2, NM_017668.3); c.5504+7G>T (NM_022844.3); c.5525+7G>T (NM_001040114.2, NM_001040113.2).
Identifiers: ClinVar variation 413417 (VCV000413417.15), dbSNP rs529718944, ClinGen allele CA7921250.

ClinVar aggregate classification (germline): Likely benign. Review status: criteria provided, multiple submitters, no conflicts (2 of 4 stars). 7 submissions from 7 submitters: Likely benign (4). 3 of the submissions do not count toward it. Last evaluated 2026-06-26.

Conditions:
MYH11-related disorder. Also called: MYH11-related condition.
Aortic aneurysm, familial thoracic 4 (AAT4). Also called: AORTIC ANEURYSM/AORTIC DISSECTION AND PATENT DUCTUS ARTERIOSUS. Identifiers: MedGen C1851504, MONDO:0007568, OMIM 132900.

Allele frequency attached by ClinVar (database versions not stated): TOPMed 0.00002.
gnomAD v4.1: 36 of 1,614,014 alleles (0.0022%); highest among the groups gnomAD compares: Admixed American, 0.0033%; no homozygotes.

Submissions (7):

Women's Health and Genetics/Laboratory Corporation of America, LabCorp
Classification: Likely benign. Last evaluated: 2026-06-26. Review status: criteria provided, single submitter. Criteria: LabCorp Variant Classification Summary - May 2015. Collection method: clinical testing. Allele origin: germline.

Labcorp Genetics (formerly Invitae), Labcorp
Classification: Likely benign for Aortic aneurysm, familial thoracic 4. Last evaluated: 2025-11-09. Review status: criteria provided, single submitter. Criteria: Invitae Variant Classification Sherloc (09022015). Collection method: clinical testing. Allele origin: germline.

Blueprint Genetics
Classification: Likely benign. Last evaluated: 2019-08-27. Review status: criteria provided, single submitter. Criteria: ACMG Guidelines, 2015. Collection method: clinical testing. Allele origin: germline.

Genome Diagnostics Laboratory, University Medical Center Utrecht
Classification: Likely benign for Aortic aneurysm, familial thoracic 4. Last evaluated: 2016-09-08. Review status: criteria provided, single submitter. Criteria: ACGS Guidelines, 2013. Collection method: clinical testing. Allele origin: germline. Affected: yes. Study: VKGL Data-share Consensus.

PreventionGenetics, part of Exact Sciences
Classification: Likely benign for MYH11-related condition. Last evaluated: 2024-06-17. Review status: no assertion criteria provided. Collection method: clinical testing. Allele origin: germline. Not counted in ClinVar's aggregate classification.
Comment: This variant is classified as likely benign based on ACMG/AMP sequence variant interpretation guidelines (Richards et al. 2015 PMID: 25741868, with internal and published modifications).

Genome Diagnostics Laboratory, Amsterdam University Medical Center
Classification: Likely benign for Aortic aneurysm, familial thoracic 4. Last evaluated: 2015-01-28. Review status: no assertion criteria provided. Criteria: ACGS Guidelines, 2013. Collection method: clinical testing. Allele origin: germline. Affected: yes. Study: VKGL Data-share Consensus. Not counted in ClinVar's aggregate classification.

Clinical Genetics DNA and cytogenetics Diagnostics Lab, Erasmus MC, Erasmus Medical Center
Classification: Likely benign. Review status: no assertion criteria provided. Collection method: clinical testing. Allele origin: germline. Affected: yes. Study: VKGL Data-share Consensus. Not counted in ClinVar's aggregate classification.